The following is an entry in ClinVar:

NM_001177316.2(SLC34A3):c.925+7C>T

Gene: SLC34A3 (solute carrier family 34 member 3; plus strand). Cytogenetic location: 9q34.3.
Variant type: single nucleotide variant.
Coding change: c.925+7C>T on transcript NM_001177316.2 (MANE Select); 7 bases into the intron after coding-DNA position 925, C replaced by T.
Molecular consequence: intron variant.
Genome position (GRCh38, 1-based): chr9:137,233,948, C>T. VCF-style: chr9-137233948-C-T. GRCh37 (hg19) VCF-style: chr9-140128400-C-T.
Other names: c.925+7C>T (NM_001177317.2, NM_080877.3).
Identifiers: ClinVar variation 2831905 (VCV002831905.3), dbSNP rs2538810410, ClinGen allele CA2692817610.

ClinVar aggregate classification (germline): Uncertain significance (1 of 4 stars; one submission).

Submission:

Labcorp Genetics (formerly Invitae), Labcorp
Classification: Uncertain significance. Last evaluated: 2023-08-18. Review status: criteria provided, single submitter. Criteria: Invitae Variant Classification Sherloc (09022015). Collection method: clinical testing. Allele origin: germline.
Comment: In summary, the available evidence is currently insufficient to determine the role of this variant in disease. Therefore, it has been classified as a Variant of Uncertain Significance. Algorithms developed to predict the effect of sequence changes on RNA splicing suggest that this variant may disrupt the consensus splice site. This variant has not been reported in the literature in individuals affected with SLC34A3-related conditions. This variant is not present in population databases (gnomAD no frequency). This sequence change falls in intron 9 of the SLC34A3 gene. It does not directly change the encoded amino acid sequence of the SLC34A3 protein.